The following is an entry in ClinVar:

NM_020822.3(KCNT1):c.3178-26GCCCT[6]

Gene: KCNT1 (potassium sodium-activated channel subfamily T member 1; plus strand). Cytogenetic location: 9q34.3.
Variant type: Microsatellite.
Coding change: c.3178-26GCCCT[6] on transcript NM_020822.3 (MANE Select); six copies in a row of the 5-base unit GCCCT starting at c.3178-26.
Molecular consequence: intron variant.
Genome position: GRCh38 VCF-style: chr9-135786170-C-CGCCCTGCCCT. GRCh37 (hg19) VCF-style: chr9-138678016-C-CGCCCTGCCCT.
Other names: c.3178-12_3178-3dup10 (NM_020822.2); c.3178-12_3178-3dupTGCCCTGCCC (NM_020822.2); c.3043-26GCCCT[6] (NM_001272003.2).
Identifiers: ClinVar variation 421819 (VCV000421819.8), dbSNP rs757968008, ClinGen allele CA5327727.

ClinVar aggregate classification (germline): Likely benign. Review status: criteria provided, multiple submitters, no conflicts (2 of 4 stars). 5 submissions from 4 submitters: Likely benign (4). 1 of the submissions does not count toward it. Last evaluated 2022-03-15.

Conditions:
KCNT1-related disorder. Also called: KCNT1-related condition.
Autosomal dominant nocturnal frontal lobe epilepsy 5. Also called: CILIARY DYSKINESIA, PRIMARY, 28, WITH SITUS INVERSUS; Epilepsy, nocturnal frontal lobe, 5; CILIARY DYSKINESIA, PRIMARY, 28, WITHOUT SITUS INVERSUS; KCNT1-Related Epilepsy. Identifiers: Orphanet 98784, MedGen C3554306, MONDO:0014002, OMIM 615005.
Developmental and epileptic encephalopathy, 14 (DEE14). Also called: Early infantile epileptic encephalopathy 14. Identifiers: Orphanet 293181, MedGen C3554195, MONDO:0013989, OMIM 614959.

Submissions (5):

Genome-Nilou Lab
Classification: Likely benign for Developmental and epileptic encephalopathy, 14. Last evaluated: 2022-03-15. Review status: criteria provided, single submitter. Criteria: ACMG Guidelines, 2015. Collection method: clinical testing. Allele origin: germline. Affected: no.

Genome-Nilou Lab
Classification: Likely benign for Autosomal dominant nocturnal frontal lobe epilepsy 5. Last evaluated: 2022-03-15. Review status: criteria provided, single submitter. Criteria: ACMG Guidelines, 2015. Collection method: clinical testing. Allele origin: germline. Affected: no.

Eurofins Ntd Llc (ga)
Classification: Likely benign. Last evaluated: 2018-08-01. Review status: criteria provided, single submitter. Criteria: EGL ClinVar v180209 classification definitions. Collection method: clinical testing. Allele origin: germline. Observed: 1 variant allele, 1 heterozygote.

GeneDx
Classification: Likely benign. Last evaluated: 2017-05-17. Review status: criteria provided, single submitter. Criteria: GeneDx Variant Classification (06012015). Collection method: clinical testing. Allele origin: germline. Affected: yes.
Comment: This variant is considered likely benign or benign based on one or more of the following criteria: it is a conservative change, it occurs at a poorly conserved position in the protein, it is predicted to be benign by multiple in silico algorithms, and/or has population frequency not consistent with disease.

PreventionGenetics, part of Exact Sciences
Classification: Likely benign for KCNT1-related condition. Last evaluated: 2020-07-28. Review status: no assertion criteria provided. Collection method: clinical testing. Allele origin: germline. Not counted in ClinVar's aggregate classification.
Comment: This variant is classified as likely benign based on ACMG/AMP sequence variant interpretation guidelines (Richards et al. 2015 PMID: 25741868, with internal and published modifications).